The following is an entry in ClinVar:

ClinVar aggregate classification (germline): Pathogenic. Review status: reviewed by expert panel (3 of 4 stars). 6 submissions from 6 submitters: Pathogenic (1). 5 of the submissions do not count toward it. Last evaluated 2016-09-08.

Conditions:
Hereditary cancer-predisposing syndrome. Also called: Tumor predisposition; Hereditary Cancer Syndrome; Neoplastic Syndromes, Hereditary; Hereditary neoplastic syndrome. Identifiers: Orphanet 140162, MedGen C0027672, MeSH D009386, MONDO:0015356.
Hereditary breast ovarian cancer syndrome. Also called: Hereditary breast and ovarian cancer; Hereditary breast and/or ovarian cancer syndrome; BRCA1- and BRCA2-Associated Hereditary Breast and Ovarian Cancer; Hereditary breast and ovarian cancer syndrome; Hereditary breast and ovarian cancer syndrome (HBOC); Breast and ovarian cancer. Identifiers: Orphanet 145, MedGen C0677776, MeSH D061325, MONDO:0003582. Disease mechanism: loss of function.
Breast-ovarian cancer, familial, susceptibility to, 2 (BROVCA2). Also called: BRCA2 Hereditary Breast and Ovarian Cancer. Identifiers: Orphanet 145, MedGen C2675520, MONDO:0012933, OMIM 612555. Disease mechanism: loss of function.
Familial cancer of breast. Also called: BREAST CANCER, FAMILIAL; Hereditary breast cancer; hereditary breast carcinoma. Identifiers: Orphanet 227535, MedGen C0346153, MONDO:0016419, OMIM 114480. Disease mechanism: loss of function.

Allele frequency attached by ClinVar (database versions not stated): gnomAD 0.00001.

Submissions (6):

Evidence-based Network for the Interpretation of Germline Mutant Alleles (ENIGMA)
Classification: Pathogenic for Breast-ovarian cancer, familial, susceptibility to, 2. Last evaluated: 2016-09-08. Review status: reviewed by expert panel. Criteria: ENIGMA BRCA1/2 Classification Criteria (2015). Collection method: curation. Allele origin: germline.
Comment: Variant allele predicted to encode a truncated non-functional protein.

Labcorp Genetics (formerly Invitae), Labcorp
Classification: Pathogenic for Hereditary breast ovarian cancer syndrome. Last evaluated: 2025-11-04. Review status: criteria provided, single submitter. Criteria: Invitae Variant Classification Sherloc (09022015). Collection method: clinical testing. Allele origin: germline. Not counted in ClinVar's aggregate classification.
Comment: This sequence change creates a premature translational stop signal (p.Leu164Valfs*19) in the BRCA2 gene. It is expected to result in an absent or disrupted protein product. Loss-of-function variants in BRCA2 are known to be pathogenic (PMID: 20104584). This variant is not present in population databases (gnomAD no frequency). This premature translational stop signal has been observed in individual(s) with breast cancer (PMID: 25186627). ClinVar contains an entry for this variant (Variation ID: 126124). For these reasons, this variant has been classified as Pathogenic.

Ambry Genetics
Classification: Pathogenic for Hereditary cancer-predisposing syndrome. Last evaluated: 2025-01-13. Review status: criteria provided, single submitter. Criteria: Ambry Variant Classification Scheme 2023. Collection method: clinical testing. Allele origin: germline. Not counted in ClinVar's aggregate classification.
Comment: The c.489_490insG pathogenic mutation, located in coding exon 5 of the BRCA2 gene, results from an insertion of one nucleotide at position 489, causing a translational frameshift with a predicted alternate stop codon (p.L164Vfs*19). This variant is considered to be rare based on population cohorts in the Genome Aggregation Database (gnomAD). In addition to the clinical data presented in the literature, this alteration is expected to result in loss of function by premature protein truncation or nonsense-mediated mRNA decay. As such, this alteration is interpreted as a disease-causing mutation.

Baylor Genetics
Classification: Pathogenic for Familial cancer of breast. Last evaluated: 2024-03-18. Review status: criteria provided, single submitter. Criteria: ACMG Guidelines, 2015. Collection method: clinical testing. Allele origin: unknown. Not counted in ClinVar's aggregate classification.

Color Diagnostics, LLC DBA Color Health
Classification: Pathogenic for Hereditary cancer-predisposing syndrome. Last evaluated: 2021-10-06. Review status: criteria provided, single submitter. Criteria: ACMG Guidelines, 2015. Collection method: clinical testing. Allele origin: germline. Not counted in ClinVar's aggregate classification.
Comment: This variant inserts 1 nucleotide in exon 6 of the BRCA2 gene, creating a frameshift and premature translation stop signal. This variant is expected to result in an absent or non-functional protein product. A functional study has reported that this variant impacts BRCA2 function in restoring cell growth to Brca2-deficient mouse embryonic stem cells (PMID: 32393813). This variant has been reported in an individual affected with breast cancer (PMID: 25186627). This variant has not been identified in the general population by the Genome Aggregation Database (gnomAD). Loss of BRCA2 function is a known mechanism of disease. Based on the available evidence, this variant is classified as Pathogenic.

Breast Cancer Information Core (BIC) (BRCA2)
Classification: Pathogenic for Breast-ovarian cancer, familial 2. Last evaluated: 2003-12-23. Review status: no assertion criteria provided. Collection method: clinical testing. Allele origin: germline. Affected: yes. Observed: 1 variant allele. Not counted in ClinVar's aggregate classification.

Literature cited by the submitters: PubMed 20104584 (cited by Labcorp Genetics (formerly Invitae), Labcorp); PubMed 25186627 (cited by 3 submitters); PubMed 32393813 (cited by Color Diagnostics, LLC DBA Color Health).

NM_000059.4(BRCA2):c.489_490insG (p.Leu164fs)

Gene: BRCA2 (BRCA2 DNA repair associated; plus strand). Cytogenetic location: 13q13.1.
Variant type: Insertion.
Coding change: c.489_490insG on transcript NM_000059.4 (MANE Select); coding-DNA positions 489 to 490, G inserted.
Protein change: p.Leu164fs; shifts the reading frame from leucine 164.
Molecular consequence: frameshift variant.
Genome position: GRCh38 VCF-style: chr13-32326255-T-TG. GRCh37 (hg19) VCF-style: chr13-32900392-T-TG.
Other names: 717insG; short protein forms L164fs.
Identifiers: ClinVar variation 126124 (VCV000126124.21), dbSNP rs120074205, ClinGen allele CA020965.
Genomic context (GRCh38, chr13:32,326,255, plus strand): 5'-GTTAATAAAAATAAAACTTAACAATTTTCCCCTTTTTTTACCCCCAGTGGTATGTGGGAG[T>TG]TTGTTTCATACACCAAAGTTTGTGAAGGTAAATATTCTACCTGGTTTATTTTTATGACTT-3'